The following is an entry in ClinVar:

ClinVar aggregate classification (germline): Likely pathogenic (1 of 4 stars; one submission).

Conditions:
Long QT syndrome (LQTS). Identifiers: MedGen C0023976, MeSH D008133, MONDO:0002442. Disease mechanism: loss of function. Inheritance: Various modes of inheritance.

Submission:

Labcorp Genetics (formerly Invitae), Labcorp
Classification: Likely pathogenic for Long QT syndrome. Last evaluated: 2022-05-05. Review status: criteria provided, single submitter. Criteria: Invitae Variant Classification Sherloc (09022015). Collection method: clinical testing. Allele origin: germline.
Comment: In summary, the currently available evidence indicates that the variant is pathogenic, but additional data are needed to prove that conclusively. Therefore, this variant has been classified as Likely Pathogenic. This variant disrupts the p.Met645 amino acid residue in KCNH2. Other variant(s) that disrupt this residue have been determined to be pathogenic (PMID: 14998624). This suggests that this residue is clinically significant, and that variants that disrupt this residue are likely to be disease-causing. Experimental studies have shown that this missense change affects KCNH2 function (PMID: 22407026). Algorithms developed to predict the effect of missense changes on protein structure and function are either unavailable or do not agree on the potential impact of this missense change (SIFT: "Deleterious"; PolyPhen-2: "Probably Damaging"; Align-GVGD: "Class C0"). This missense change has been observed in individuals with clinical features of long QT syndrome (PMID: 22407026; Invitae). This variant is not present in population databases (gnomAD no frequency). This sequence change replaces methionine, which is neutral and non-polar, with arginine, which is basic and polar, at codon 645 of the KCNH2 protein (p.Met645Arg).

Literature cited by the submitters: PubMed 14998624; PubMed 22407026.

NM_000238.4(KCNH2):c.1934T>G (p.Met645Arg)

Gene: KCNH2 (potassium voltage-gated channel subfamily H member 2; minus strand). Cytogenetic location: 7q36.1.
Variant type: single nucleotide variant.
Coding change: c.1934T>G on transcript NM_000238.4 (MANE Select); coding-DNA position 1934, T replaced by G.
Protein change: p.Met645Arg; replaces methionine 645 with arginine.
Molecular consequence: missense variant.
Genome position (GRCh38, 1-based): chr7:150,951,459, A>C on the plus strand (T>G on the coding strand, the complement: KCNH2 is on the minus strand). VCF-style: chr7-150951459-A-C. GRCh37 (hg19) VCF-style: chr7-150648547-A-C.
Other names: c.914T>G, p.Met305Arg (NM_001204798.2, NM_172057.3); c.1646T>G, p.Met549Arg (NM_001406753.1, NM_001406756.1); c.1757T>G, p.Met586Arg (NM_001406755.1); c.1634T>G, p.Met545Arg (NM_001406757.1); c.1934T>G, p.Met645Arg (NM_172056.3); short protein forms M305R, M549R, M586R, M545R, M645R.
Identifiers: ClinVar variation 2136626 (VCV002136626.4), dbSNP rs2486035570, ClinGen allele CA369857819.
Genomic context (GRCh38, chr7:150,951,459, plus strand): 5'-GTTCCTCCACCGTGGGCTCTCCCCGCCGCCCGCCCCTGGGCACACTCACAGCCAATGAGC[A>C]TGACGCAGATGGAGAAGATCTTCTCTGAGTTGGTGTTGGGAGAGACGTTGCCGAAGCCCA-3'
Protein context (NP_000229.1, residues 635-655): NSEKIFSICV[Met645Arg]LIGSLMYASI